The following is an entry in ClinVar:

NM_000059.4(BRCA2):c.631+1317A>G

Gene: BRCA2 (BRCA2 DNA repair associated; plus strand). Cytogenetic location: 13q13.1.
Variant type: single nucleotide variant.
Coding change: c.631+1317A>G on transcript NM_000059.4 (MANE Select); 1317 bases into the intron after coding-DNA position 631, A replaced by G.
Molecular consequence: intron variant.
Genome position (GRCh38, 1-based): chr13:32,327,930, A>G. VCF-style: chr13-32327930-A-G. GRCh37 (hg19) VCF-style: chr13-32902067-A-G.
Other names: IVS 7+1317A>G.
Identifiers: ClinVar variation 209657 (VCV000209657.2), dbSNP rs79347017, ClinGen allele CA276626.

ClinVar aggregate classification (germline): Benign. Review status: reviewed by expert panel (3 of 4 stars). 2 submissions from 2 submitters: Benign (1). 1 of the submissions does not count toward it. Last evaluated 2015-01-12.

Conditions:
Breast-ovarian cancer, familial, susceptibility to, 2 (BROVCA2). Also called: BRCA2 Hereditary Breast and Ovarian Cancer. Identifiers: Orphanet 145, MedGen C2675520, MONDO:0012933, OMIM 612555. Disease mechanism: loss of function.

Allele frequency attached by ClinVar (database versions not stated): gnomAD 0.03697 and 0.04090; TOPMed 0.04225; 1000 Genomes Project 0.07368; 1000 Genomes Project 30x 0.07386.
gnomAD v4.1: 6,216 of 151,910 alleles (4.1%); highest among the groups gnomAD compares: South Asian, 11%; 220 homozygotes.

Submissions (2):

Evidence-based Network for the Interpretation of Germline Mutant Alleles (ENIGMA)
Classification: Benign for Breast-ovarian cancer, familial 2. Last evaluated: 2015-01-12. Review status: reviewed by expert panel. Criteria: ENIGMA BRCA1/2 Classification Criteria (2015). Collection method: curation. Allele origin: germline.
Comment: Class 1 not pathogenic based on frequency >1% in an outbred sampleset. Frequency 0.09965 (Asian), 0.01423 (African), 0.03694 (European), derived from 1000 genomes (2012-04-30).

Breakthrough Genomics
Classification: Benign. Review status: criteria provided, single submitter. Criteria: ACMG Guidelines, 2015. Collection method: not provided. Allele origin: germline. Inheritance: Autosomal recessive inheritance. Affected: yes. Not counted in ClinVar's aggregate classification.